The following is an entry in ClinVar:

ClinVar aggregate classification (germline): Pathogenic/Likely pathogenic. Review status: criteria provided, multiple submitters, no conflicts (2 of 4 stars). 5 submissions from 5 submitters: Pathogenic (2); Likely pathogenic (3). Last evaluated 2025-12-14.

Conditions:
Cardiovascular phenotype. Identifiers: MedGen CN230736.
Dilated cardiomyopathy 1G (CMD1G). Identifiers: Orphanet 154, MedGen C1858763, MONDO:0011400, OMIM 604145.
Autosomal recessive limb-girdle muscular dystrophy type 2J (LGMDR10). Also called: MUSCULAR DYSTROPHY, LIMB-GIRDLE, AUTOSOMAL RECESSIVE 10; Limb-girdle muscular dystrophy, type 2J. Identifiers: Orphanet 140922, MedGen C1837342, MONDO:0012127, OMIM 608807.
Myopathy, myofibrillar, 9, with early respiratory failure (MFM9). Also called: EDSTROM MYOPATHY; MYOPATHY, PROXIMAL, WITH EARLY RESPIRATORY MUSCLE INVOLVEMENT; Myopathy, distal, with early respiratory failure, autosomal dominant; Hereditary myopathy with early respiratory failure. Identifiers: Orphanet 178464, Orphanet 34521, MedGen C1863599, MONDO:0011362, OMIM 603689.
Early-onset myopathy with fatal cardiomyopathy (CMYO5). Also called: CONGENITAL MYOPATHY 5 WITH CARDIOMYOPATHY; Salih Myopathy. Identifiers: Orphanet 289377, MedGen C2673677, MONDO:0012714, OMIM 611705. Disease mechanism: loss of function.
Hypertrophic cardiomyopathy 9. Also called: Familial hypertrophic cardiomyopathy 9. Identifiers: MedGen C1861065, MONDO:0013412, OMIM 613765.
Tibial muscular dystrophy (TMD). Also called: UDD MYOPATHY; Tibial muscular dystrophy, tardive; Udd Distal Myopathy – Tibial Muscular Dystrophy. Identifiers: Orphanet 609, MedGen C1838244, MONDO:0010870, OMIM 600334.

Submissions (5):

Labcorp Genetics (formerly Invitae), Labcorp
Classification: Pathogenic for Dilated cardiomyopathy 1G; Autosomal recessive limb-girdle muscular dystrophy type 2J. Last evaluated: 2025-12-14. Review status: criteria provided, single submitter. Criteria: Invitae Variant Classification Sherloc (09022015). Collection method: clinical testing. Allele origin: germline.
Comment: This sequence change creates a premature translational stop signal (p.Lys25046Asnfs*8) in the TTN gene. While this is not anticipated to result in nonsense mediated decay, it is expected to create a truncated TTN protein. This variant is not present in population databases (gnomAD no frequency). This premature translational stop signal has been observed in individuals with clinical features of TTN-related conditions (PMID: 33226272; internal data). This variant is also known as c.67434_67437del (p.K22477fs). ClinVar contains an entry for this variant (Variation ID: 202467). This variant is located in the A band of TTN (PMID: 25589632). Truncating variants in this region are significantly overrepresented in patients affected with dilated cardiomyopathy (PMID: 25589632). Truncating variants in this region have also been reported in individuals affected with autosomal recessive centronuclear myopathy (PMID: 23975875). For these reasons, this variant has been classified as Pathogenic.

GeneDx
Classification: Likely pathogenic. Last evaluated: 2025-11-02. Review status: criteria provided, single submitter. Criteria: GeneDx Variant Classification Process June 2021. Collection method: clinical testing. Allele origin: germline. Affected: yes.
Comment: Identified in at least one patient with neuromuscular disease who harbored a second variant in the TTN gene (PMID: 32815318, 38050027); Frameshift variant predicted to result in protein truncation or nonsense mediated decay in a gene for which loss of function is a known mechanism of disease; Located in the A-band, a region of TTN for which truncating variants are significantly associated with autosomal dominant cardiomyopathy and also with autosomal recessive skeletal myopathies (PMID: 22335739, 32778822); Not observed at significant frequency in large population cohorts (gnomAD); This variant is associated with the following publications: (PMID: 33226272, 32815318, 38050027, 22335739, 32778822)

Ambry Genetics
Classification: Likely pathogenic for Cardiovascular phenotype. Last evaluated: 2024-11-08. Review status: criteria provided, single submitter. Criteria: Ambry Variant Classification Scheme 2023. Collection method: clinical testing. Allele origin: germline.
Comment: The c.47943_47946delAGAA variant, located in coding exon 153 of the TTN gene, results from a deletion of 4 nucleotides at nucleotide positions 47943 to 47946, causing a translational frameshift with a predicted alternate stop codon (p.K15981Nfs*8). This exon is located in the A-band region of the N2-B isoform of the titin protein and is constitutively expressed in TTN transcripts (percent spliced in or PSI 100%). This variant (referred to as NM_133378.4:c.67434_67437del, p.K22477fs) was detected in an individual referred for clinical exome sequencing whose phenotype was indicated to be limb-girdle muscular dystrophy and pathology was indicated as cardiomyopathy (CM); however, details were limited (Connell PS et al. Circ Genom Precis Med, 2021 02;14:e003131). This variant is considered to be rare based on population cohorts in the Genome Aggregation Database (gnomAD). This alteration is expected to result in loss of function by premature protein truncation or nonsense-mediated mRNA decay. While truncating variants in TTN are present in 1-3% of the general population, truncating variants in the A-band are the most common cause of dilated cardiomyopathy (DCM) (Herman DS et al. N. Engl. J. Med., 2012 Feb;366:619-28; Roberts AM et al. Sci Transl Med, 2015 Jan;7:270ra6). TTN truncating variants encoded in constitutive exons (PSI >90%) have been found to be significantly associated with DCM regardless of their position in titin (Schafer S et al. Nat. Genet., 2017 01;49:46-53). As such, this alteration is classified as likely pathogenic.

Mayo Clinic Laboratories, Mayo Clinic
Classification: Likely pathogenic. Last evaluated: 2024-02-09. Review status: criteria provided, single submitter. Criteria: ACMG Guidelines, 2015. Collection method: clinical testing. Allele origin: germline. Observed: 1 variant allele.
Comment: PM2, PVS1

Baylor Genetics
Classification: Pathogenic for Myopathy, myofibrillar, 9, with early respiratory failure; Hypertrophic cardiomyopathy 9; Dilated cardiomyopathy 1G; Tibial muscular dystrophy; Autosomal recessive limb-girdle muscular dystrophy type 2J; Early-onset myopathy with fatal cardiomyopathy. Last evaluated: 2017-09-01. Review status: criteria provided, single submitter. Criteria: ACMG Guidelines, 2015. Collection method: clinical testing. Allele origin: paternal. Inheritance: Autosomal unknown.

Literature cited by the submitters: PubMed 33226272 (cited by 3 submitters); PubMed 25589632 (cited by Labcorp Genetics (formerly Invitae), Labcorp); PubMed 23975875 (cited by Labcorp Genetics (formerly Invitae), Labcorp); PubMed 25326635 (cited by Ambry Genetics and Baylor Genetics); PubMed 32815318 (cited by Mayo Clinic Laboratories, Mayo Clinic).

NM_001267550.2(TTN):c.75138_75141del (p.Lys25046fs)

Genes: TTN (titin; minus strand), TTN-AS1 (TTN antisense RNA 1; plus strand). Cytogenetic location: 2q31.2.
Variant type: Microsatellite.
Coding change: c.75138_75141del on transcript NM_001267550.2 (MANE Select); coding-DNA positions 75138 to 75141, 4 bases deleted (AGAA; older notation c.75138_75141delAGAA).
Protein change: p.Lys25046fs; shifts the reading frame from lysine 25046.
Molecular consequence: frameshift variant.
Genome position (GRCh38, 1-based): chr2:178,570,991-178,570,994, TTCT deleted on the plus strand (AGAA on the coding strand, the reverse complement: TTN is on the minus strand); deleting any 4 consecutive bases within chr2:178,570,991-178,570,999 gives the same sequence; the c. name uses the placement nearest the transcript's 3' end. VCF-style (leftmost placement, unchanged base first): chr2-178570990-ATTCT-A. GRCh37 (hg19) VCF-style: chr2-179435717-ATTCT-A.
Other names: p.Lys23405Asnfs*8; c.47943_47946delAGAA (NM_003319.4); c.70215_70218del, p.Lys23405fs (NM_001256850.1); c.47943_47946del, p.Lys15981fs (NM_003319.4); c.67434_67437del, p.Lys22478fs (NM_133378.4); c.48318_48321del, p.Lys16106fs (NM_133432.3); c.48519_48522del, p.Lys16173fs (NM_133437.4); c.75138_75141del (NM_001267550.1); and 1 more; short protein forms K15981fs, K16106fs, K16173fs, K25046fs, K22478fs, K23405fs.
Identifiers: ClinVar variation 202467 (VCV000202467.18), dbSNP rs794729340, ClinGen allele CA309431.